The following is an entry in ClinVar:

NM_000264.5(PTCH1):c.3850C>G (p.Gln1284Glu)

Gene: PTCH1 (patched 1; minus strand). Cytogenetic location: 9q22.32.
Variant type: single nucleotide variant.
Coding change: c.3850C>G on transcript NM_000264.5 (MANE Select); coding-DNA position 3850, C replaced by G.
Protein change: p.Gln1284Glu; replaces glutamine 1284 with glutamic acid.
Molecular consequence: missense variant. On other transcripts: non-coding transcript variant (1).
Genome position (GRCh38, 1-based): chr9:95,447,406, G>C on the plus strand (C>G on the coding strand, the complement: PTCH1 is on the minus strand). VCF-style: chr9-95447406-G-C. GRCh37 (hg19) VCF-style: chr9-98209688-G-C.
Other names: c.3847C>G, p.Gln1283Glu (NM_001083603.3); c.3397C>G, p.Gln1133Glu (NM_001083604.3, NM_001083605.3, NM_001083606.3 and 1 more transcripts); c.3694C>G, p.Gln1232Glu (NM_001354918.2); c.3652C>G, p.Gln1218Glu (NM_001083602.3); short protein forms Q1218E, Q1232E, Q1284E, Q1283E, Q1133E.
Identifiers: ClinVar variation 3718943 (VCV003718943.3).

ClinVar aggregate classification (germline): Uncertain significance. Review status: criteria provided, multiple submitters, no conflicts (2 of 4 stars). 2 submissions from 2 submitters: Uncertain significance (2). Last evaluated 2024-04-08.

Conditions:
Gorlin syndrome. Also called: Basal cell nevus syndrome; Nevoid Basal Cell Carcinoma Syndrome. Identifiers: Orphanet 377, MedGen C0004779, MONDO:0007187.

Submissions (2):

Labcorp Genetics (formerly Invitae), Labcorp
Classification: Uncertain significance for Gorlin syndrome. Last evaluated: 2024-04-08. Review status: criteria provided, single submitter. Criteria: Invitae Variant Classification Sherloc (09022015). Collection method: clinical testing. Allele origin: germline.
Comment: This sequence change replaces glutamine, which is neutral and polar, with glutamic acid, which is acidic and polar, at codon 1284 of the PTCH1 protein (p.Gln1284Glu). This variant is not present in population databases (gnomAD no frequency). This variant has not been reported in the literature in individuals affected with PTCH1-related conditions. Advanced modeling of protein sequence and biophysical properties (such as structural, functional, and spatial information, amino acid conservation, physicochemical variation, residue mobility, and thermodynamic stability) performed at Invitae indicates that this missense variant is not expected to disrupt PTCH1 protein function with a negative predictive value of 95%. In summary, the available evidence is currently insufficient to determine the role of this variant in disease. Therefore, it has been classified as a Variant of Uncertain Significance.

Revvity Omics, Revvity
Classification: Uncertain significance. Last evaluated: 2023-10-09. Review status: criteria provided, single submitter. Criteria: ACMG Guidelines, 2015. Collection method: clinical testing. Allele origin: germline.